The following is an entry in ClinVar:

NM_015272.5(RPGRIP1L):c.3301G>A (p.Ala1101Thr)

Gene: RPGRIP1L (RPGRIP1 like; minus strand). Cytogenetic location: 16q12.2.
Variant type: single nucleotide variant.
Coding change: c.3301G>A on transcript NM_015272.5 (MANE Select); coding-DNA position 3301, G replaced by A.
Protein change: p.Ala1101Thr; replaces alanine 1101 with threonine.
Molecular consequence: missense variant. On other transcripts: intron variant (2).
Genome position (GRCh38, 1-based): chr16:53,622,350, C>T on the plus strand (G>A on the coding strand, the complement: RPGRIP1L is on the minus strand). VCF-style: chr16-53622350-C-T. GRCh37 (hg19) VCF-style: chr16-53656262-C-T.
Other names: c.3301G>A (NM_015272.4); c.3199G>A, p.Ala1067Thr (NM_001330538.2); c.3193-3142G>A (NM_001127897.4); c.3295-3142G>A (NM_001308334.3); short protein forms A1101T, A1067T.
Identifiers: ClinVar variation 530894 (VCV000530894.9), dbSNP rs539084201, ClinGen allele CA281358401.

ClinVar aggregate classification (germline): Uncertain significance. Review status: criteria provided, multiple submitters, no conflicts (2 of 4 stars). 4 submissions from 4 submitters: Uncertain significance (3). 1 of the submissions does not count toward it. Last evaluated 2024-06-27.

Conditions:
Joubert syndrome 7 (JBTS7). Identifiers: Orphanet 220497, MedGen C1969053, MONDO:0012694, OMIM 611560.
COACH syndrome 3. Identifiers: MedGen C5436841, MONDO:0030862, OMIM 619113.
Meckel syndrome, type 5 (MKS5). Identifiers: Orphanet 564, MedGen C1969052, MONDO:0012695, OMIM 611561.
RPGRIP1L-related disorder. Also called: RPGRIP1L-related condition; RPGRIP1L-related disorders. Identifiers: MedGen CN239416.
Joubert syndrome. Also called: JOUBERT-BOLTSHAUSER SYNDROME; Familial aplasia of the vermis. Identifiers: Orphanet 475, MedGen C5979921, MONDO:0018772.
Meckel-Gruber syndrome. Also called: DYSENCEPHALIA SPLANCHNOCYSTICA; GRUBER SYNDROME; Dysencephalia splachnocystica. Identifiers: Orphanet 564, MedGen C0265215, MONDO:0018921.

Allele frequency attached by ClinVar (database versions not stated): gnomAD exomes 0.00001.
gnomAD v4.1: 15 of 593,540 alleles (0.0025%); highest among the groups gnomAD compares: Non-Finnish European, 0.003%; no homozygotes.

Submissions (4):

GeneDx
Classification: Uncertain significance. Last evaluated: 2024-06-27. Review status: criteria provided, single submitter. Criteria: GeneDx Variant Classification Process June 2021. Collection method: clinical testing. Allele origin: germline. Affected: yes.
Comment: Not observed at significant frequency in large population cohorts (gnomAD); In silico analysis indicates that this missense variant does not alter protein structure/function; Has not been previously published as pathogenic or benign to our knowledge

Fulgent Genetics
Classification: Uncertain significance for Joubert syndrome 7; Meckel syndrome, type 5; COACH syndrome 3. Last evaluated: 2021-12-27. Review status: criteria provided, single submitter. Criteria: ACMG Guidelines, 2015. Collection method: clinical testing. Allele origin: unknown.

Labcorp Genetics (formerly Invitae), Labcorp
Classification: Uncertain significance for Joubert syndrome; Meckel-Gruber syndrome. Last evaluated: 2021-08-27. Review status: criteria provided, single submitter. Criteria: Invitae Variant Classification Sherloc (09022015). Collection method: clinical testing. Allele origin: germline.
Comment: This sequence change replaces alanine with threonine at codon 1101 of the RPGRIP1L protein (p.Ala1101Thr). The alanine residue is weakly conserved and there is a small physicochemical difference between alanine and threonine. The frequency data for this variant in the population databases is considered unreliable, as metrics indicate insufficient coverage at this position in the ExAC database. This variant has not been reported in the literature in individuals affected with RPGRIP1L-related conditions. Algorithms developed to predict the effect of missense changes on protein structure and function (SIFT, PolyPhen-2, Align-GVGD) all suggest that this variant is likely to be tolerated. In summary, the available evidence is currently insufficient to determine the role of this variant in disease. Therefore, it has been classified as a Variant of Uncertain Significance.

PreventionGenetics, part of Exact Sciences
Classification: Uncertain significance for RPGRIP1L-related condition. Last evaluated: 2024-08-09. Review status: no assertion criteria provided. Collection method: clinical testing. Allele origin: germline. Not counted in ClinVar's aggregate classification.
Comment: The RPGRIP1L c.3301G>A variant is predicted to result in the amino acid substitution p.Ala1101Thr. To our knowledge, this variant has not been reported in the literature. This variant is reported in 0.0037% of alleles in individuals of European (Non-Finnish) descent in gnomAD. At this time, the clinical significance of this variant is uncertain due to the absence of conclusive functional and genetic evidence.